The following is an entry in ClinVar:

ClinVar aggregate classification (germline): Uncertain significance. Review status: criteria provided, multiple submitters, no conflicts (2 of 4 stars). 2 submissions from 2 submitters: Uncertain significance (2). Last evaluated 2024-03-04.

Conditions:
Cardiovascular phenotype. Identifiers: MedGen CN230736.

Allele frequency attached by ClinVar (database versions not stated): TOPMed 0.00002; 1000 Genomes Project 30x 0.00016; gnomAD 0.00001.
gnomAD v4.1: 6 of 1,552,222 alleles (0.00039%); highest among the groups gnomAD compares: Admixed American, 0.0039%; no homozygotes.

Submissions (2):

Labcorp Genetics (formerly Invitae), Labcorp
Classification: Uncertain significance. Last evaluated: 2024-03-04. Review status: criteria provided, single submitter. Criteria: Invitae Variant Classification Sherloc (09022015). Collection method: clinical testing. Allele origin: germline.
Comment: This sequence change replaces valine, which is neutral and non-polar, with methionine, which is neutral and non-polar, at codon 54 of the LOX protein (p.Val54Met). This variant is present in population databases (no rsID available, gnomAD 0.008%). This variant has not been reported in the literature in individuals affected with LOX-related conditions. ClinVar contains an entry for this variant (Variation ID: 1980474). Advanced modeling of protein sequence and biophysical properties (such as structural, functional, and spatial information, amino acid conservation, physicochemical variation, residue mobility, and thermodynamic stability) performed at Invitae indicates that this missense variant is not expected to disrupt LOX protein function with a negative predictive value of 80%. In summary, the available evidence is currently insufficient to determine the role of this variant in disease. Therefore, it has been classified as a Variant of Uncertain Significance.

Ambry Genetics
Classification: Uncertain significance for Cardiovascular phenotype. Last evaluated: 2024-03-01. Review status: criteria provided, single submitter. Criteria: Ambry Variant Classification Scheme 2023. Collection method: clinical testing. Allele origin: germline.
Comment: The p.V54M variant (also known as c.160G>A), located in coding exon 1 of the LOX gene, results from a G to A substitution at nucleotide position 160. The valine at codon 54 is replaced by methionine, an amino acid with highly similar properties. This amino acid position is conserved. In addition, this alteration is predicted to be tolerated by in silico analysis. Based on the available evidence, the clinical significance of this alteration remains unclear.

NM_002317.7(LOX):c.160G>A (p.Val54Met)

Genes: LOX (lysyl oxidase; minus strand), SRFBP1 (serum response factor binding protein 1; plus strand). Cytogenetic location: 5q23.1.
Variant type: single nucleotide variant.
Coding change: c.160G>A on transcript NM_002317.7 (MANE Select); coding-DNA position 160, G replaced by A.
Protein change: p.Val54Met; replaces valine 54 with methionine.
Molecular consequence: missense variant.
Genome position (GRCh38, 1-based): chr5:122,077,826, C>T on the plus strand (G>A on the coding strand, the complement: LOX is on the minus strand). VCF-style: chr5-122077826-C-T. GRCh37 (hg19) VCF-style: chr5-121413521-C-T.
Other names: c.160G>A (NM_002317.5); short protein forms V54M.
Identifiers: ClinVar variation 1980474 (VCV001980474.5), dbSNP rs1403412780, ClinGen allele CA360877869.